The following is an entry in ClinVar:

NM_005609.4(PYGM):c.658del (p.Gln220fs)

Gene: PYGM (glycogen phosphorylase, muscle associated; minus strand). Cytogenetic location: 11q13.1.
Variant type: Deletion.
Coding change: c.658del on transcript NM_005609.4 (MANE Select); coding-DNA position 658, one base deleted (C; older notation c.658delC).
Protein change: p.Gln220fs; shifts the reading frame from glutamine 220.
Molecular consequence: frameshift variant.
Genome position (GRCh38, 1-based): chr11:64,757,781, G deleted on the plus strand (C on the coding strand, the reverse complement: PYGM is on the minus strand). VCF-style (leftmost placement, unchanged base first): chr11-64757780-TG-T. GRCh37 (hg19) VCF-style: chr11-64525252-TG-T.
Other names: c.394del, p.Gln132fs (NM_001164716.1); short protein forms Q220fs, Q132fs.
Identifiers: ClinVar variation 2733607 (VCV002733607.3), dbSNP rs2496668297, ClinGen allele CA2697548647.
Genomic context (GRCh38, chr11:64,757,780, plus strand): 5'-GGCTTCCTTCTCTTCCCTCCCCTTCTCTGGGCTCCCCTGACCCCCAGCTTCATCCTCACC[TG>T]TGTGTCCACCCACTTGGCACCCTGGCTGGTGTGCTCCACATGGCCGTAGAAGTGCACAGG-3'

ClinVar aggregate classification (germline): Pathogenic (1 of 4 stars; one submission).

Conditions:
Glycogen storage disease, type V (GSD5). Also called: McArdle type glycogen storage disease; MCARDLE DISEASE; MUSCLE GLYCOGEN PHOSPHORYLASE DEFICIENCY; MYOPHOSPHORYLASE DEFICIENCY; PYGM DEFICIENCY. Identifiers: Orphanet 368, MedGen C0017924, MONDO:0009293, OMIM 232600.

Submission:

Labcorp Genetics (formerly Invitae), Labcorp
Classification: Pathogenic for Glycogen storage disease, type V. Last evaluated: 2023-06-30. Review status: criteria provided, single submitter. Criteria: Invitae Variant Classification Sherloc (09022015). Collection method: clinical testing. Allele origin: germline.
Comment: For these reasons, this variant has been classified as Pathogenic. This variant has not been reported in the literature in individuals affected with PYGM-related conditions. This variant is not present in population databases (gnomAD no frequency). This sequence change creates a premature translational stop signal (p.Gln220Argfs*75) in the PYGM gene. It is expected to result in an absent or disrupted protein product. Loss-of-function variants in PYGM are known to be pathogenic (PMID: 8316268, 16786513).

Literature cited by the submitters: PubMed 8316268; PubMed 16786513.